The following is an entry in ClinVar:

NM_173849.3(GSC):c.590T>C (p.Val197Ala)

Gene: GSC (goosecoid homeobox; minus strand). Cytogenetic location: 14q32.13.
Variant type: single nucleotide variant.
Coding change: c.590T>C on transcript NM_173849.3 (MANE Select); coding-DNA position 590, T replaced by C.
Protein change: p.Val197Ala; replaces valine 197 with alanine.
Molecular consequence: missense variant.
Genome position (GRCh38, 1-based): chr14:94,768,983, A>G on the plus strand (T>C on the coding strand, the complement: GSC is on the minus strand). VCF-style: chr14-94768983-A-G. GRCh37 (hg19) VCF-style: chr14-95235320-A-G.
Other names: short protein forms V197A.
Identifiers: ClinVar variation 1974223 (VCV001974223.5), dbSNP rs1297615827, ClinGen allele CA391148142.

ClinVar aggregate classification (germline): Uncertain significance (1 of 4 stars; one submission).

Allele frequency attached by ClinVar (database versions not stated): TOPMed below 0.00001; gnomAD exomes 0.00001.
gnomAD v4.1: 8 of 1,593,158 alleles (0.0005%); highest among the groups gnomAD compares: Non-Finnish European, 0.00068%; no homozygotes.

Submission:

Labcorp Genetics (formerly Invitae), Labcorp
Classification: Uncertain significance. Last evaluated: 2024-10-29. Review status: criteria provided, single submitter. Criteria: Invitae Variant Classification Sherloc (09022015). Collection method: clinical testing. Allele origin: germline.
Comment: This sequence change replaces valine, which is neutral and non-polar, with alanine, which is neutral and non-polar, at codon 197 of the GSC protein (p.Val197Ala). The frequency data for this variant in the population databases is considered unreliable, as metrics indicate poor data quality at this position in the gnomAD database. This variant has not been reported in the literature in individuals affected with GSC-related conditions. ClinVar contains an entry for this variant (Variation ID: 1974223). An algorithm developed to predict the effect of missense changes on protein structure and function (PolyPhen-2) suggests that this variant is likely to be disruptive. In summary, the available evidence is currently insufficient to determine the role of this variant in disease. Therefore, it has been classified as a Variant of Uncertain Significance.